The following is an entry in ClinVar:

ClinVar aggregate classification (germline): Likely pathogenic. Review status: criteria provided, single submitter (1 of 4 stars). 3 submissions from 3 submitters: Likely pathogenic (1). 2 of the submissions do not count toward it. Last evaluated 2023-02-23.

Conditions:
Craniolenticulosutural dysplasia (CLSD). Also called: BOYADJIEV-JABS SYNDROME. Identifiers: Orphanet 50814, MedGen C1843042, MONDO:0011911, OMIM 607812.

Submissions (3):

3billion
Classification: Likely pathogenic for Craniolenticulosutural dysplasia. Last evaluated: 2023-02-23. Review status: criteria provided, single submitter. Criteria: ACMG Guidelines, 2015. Collection method: clinical testing. Allele origin: unknown. Affected: yes.
Comment: The variant is not observed in the gnomAD v2.1.1 dataset. Missense changes are a common disease-causing mechanism. In silico tool predictions suggest damaging effect of the variant on gene or gene product (REVEL: 0.96; 3Cnet: 0.97). Same nucleotide change resulting in same amino acid change has been previously reported to be associated with SEC23A related disorder (ClinVar ID: VCV001686940 / PMID: 34580982). The variant has been previously reported as de novo in a similarly affected individual (PMID: 34580982). Therefore, this variant is classified as Likely pathogenic according to the recommendation of ACMG/AMP guideline.

Undiagnosed Diseases Network, NIH
Classification: Pathogenic for Craniolenticulosutural dysplasia. Last evaluated: 2024-01-04. Review status: no assertion criteria provided. Collection method: clinical testing. Allele origin: de novo. Affected: yes. Observed: 1 variant allele, 1 heterozygote. Study: Undiagnosed Diseases Network (NIH), UDN. Not counted in ClinVar's aggregate classification.

OMIM
Classification: Pathogenic for CRANIOLENTICULOSUTURAL DYSPLASIA. Last evaluated: 2022-05-04. Review status: no assertion criteria provided. Collection method: literature only. Allele origin: germline. Not counted in ClinVar's aggregate classification.

Literature cited by the submitters: PubMed 34580982 (cited by 3billion and OMIM).

NM_006364.4(SEC23A):c.1795G>A (p.Glu599Lys)

Gene: SEC23A (SEC23 homolog A, COPII coat complex component; minus strand). Cytogenetic location: 14q21.1.
Variant type: single nucleotide variant.
Coding change: c.1795G>A on transcript NM_006364.4 (MANE Select); coding-DNA position 1795, G replaced by A.
Protein change: p.Glu599Lys; replaces glutamic acid 599 with lysine.
Molecular consequence: missense variant.
Genome position (GRCh38, 1-based): chr14:39,045,267, C>T on the plus strand (G>A on the coding strand, the complement: SEC23A is on the minus strand). VCF-style: chr14-39045267-C-T. GRCh37 (hg19) VCF-style: chr14-39514471-C-T.
Other names: p.E599K; c.1795G>A (NM_006364.3); short protein forms E599K.
Identifiers: ClinVar variation 1686940 (VCV001686940.4), dbSNP rs2139193533, ClinGen allele CA389532022.